The following is an entry in ClinVar:

ClinVar aggregate classification (germline): Pathogenic (1 of 4 stars; one submission).

Submission:

GeneDx
Classification: Pathogenic. Last evaluated: 2016-12-05. Review status: criteria provided, single submitter. Criteria: GeneDx Variant Classification (06012015). Collection method: clinical testing. Allele origin: germline. Affected: yes.
Comment: The c.1615dupG variant in the PTCH1 gene has not been reported previously as a pathogenic variant, nor as a benign variant, to our knowledge. This duplication causes a frameshift starting with codon Glutamic Acid 539, changes this amino acid to a Glycine residue and creates a premature Stop codon at position 88 of the new reading frame, denoted p.Glu539GlyfsX88. This variant is predicted to cause loss of normal protein function either through protein truncation or nonsense-mediated mRNA decay. Based on currently available evidence, we consider c.1615dupG to be pathogenic.

NM_000264.5(PTCH1):c.1615dup (p.Glu539fs)

Gene: PTCH1 (patched 1; minus strand). Cytogenetic location: 9q22.32.
Variant type: Duplication.
Coding change: c.1615dup on transcript NM_000264.5 (MANE Select); coding-DNA position 1615, one base duplicated (G; older notation c.1615dupG).
Protein change: p.Glu539fs; shifts the reading frame from glutamic acid 539.
Molecular consequence: frameshift variant. On other transcripts: non-coding transcript variant (1).
Genome position (GRCh38, 1-based): chr9:95,476,147, C duplicated on the plus strand (G on the coding strand, the reverse complement: PTCH1 is on the minus strand); the first of 4 consecutive C bases (chr9:95,476,147-95,476,150); duplicating any one gives the same sequence. VCF-style (leftmost placement, unchanged base first): chr9-95476146-T-TC. GRCh37 (hg19) VCF-style: chr9-98238428-T-TC.
Other names: c.1417dup, p.Glu473fs (NM_001083602.3); c.1612dup, p.Glu538fs (NM_001083603.3); c.1162dup, p.Glu388fs (NM_001083604.3, NM_001083605.3, NM_001083606.3 and 1 more transcripts); c.1459dup, p.Glu487fs (NM_001354918.2); short protein forms E473fs, E487fs, E388fs, E538fs, E539fs.
Identifiers: ClinVar variation 422858 (VCV000422858.2), dbSNP rs878853847, ClinGen allele CA16618907.
Genomic context (GRCh38, chr9:95,476,146, plus strand): 5'-AAGGCTGTGACATTGCTGATGGACGTGAGGGCCACGCTGGCTCCTGTGCGCTTCAGGCAC[T>TC]CCCCGGTCCTGTCCTGGGAATAAAAAAACACAGCGCTGAGAGCTGCACTGGACATGGTCC-3'